The following is an entry in ClinVar:

ClinVar aggregate classification (germline): Likely benign (1 of 4 stars; one submission).

Allele frequency attached by ClinVar (database versions not stated): ExAC 0.00012; TOPMed below 0.00001; gnomAD 0.00002; gnomAD exomes 0.00003.
gnomAD v4.1: 40 of 1,611,398 alleles (0.0025%); highest among the groups gnomAD compares: South Asian, 0.04%; no homozygotes.

Submission:

CeGaT Center for Human Genetics Tuebingen
Classification: Likely benign. Last evaluated: 2022-07-01. Review status: criteria provided, single submitter. Criteria: CeGaT Center For Human Genetics Tuebingen Variant Classification Criteria Version 2. Collection method: clinical testing. Allele origin: germline. Affected: yes. Observed: 1 variant allele.
Comment: MYT1L: BP4, BP7

NM_001303052.2(MYT1L):c.3075C>T (p.His1025=)

Gene: MYT1L (myelin transcription factor 1 like; minus strand). Cytogenetic location: 2p25.3.
Variant type: single nucleotide variant.
Coding change: c.3075C>T on transcript NM_001303052.2 (MANE Select); coding-DNA position 3075, C replaced by T.
Protein change: p.His1025=; no amino-acid change (histidine 1025 retained).
Molecular consequence: synonymous variant.
Genome position (GRCh38, 1-based): chr2:1,839,154, G>A on the plus strand (C>T on the coding strand, the complement: MYT1L is on the minus strand). VCF-style: chr2-1839154-G-A. GRCh37 (hg19) VCF-style: chr2-1842926-G-A.
Other names: c.3075C>T, p.His1025= (NM_001329844.2, NM_001329845.1, NM_001329851.3); c.3069C>T, p.His1023= (NM_001329846.3, NM_001329847.2, NM_001329848.1 and 3 more transcripts).
Identifiers: ClinVar variation 2650622 (VCV002650622.24), dbSNP rs757525379, ClinGen allele CA1513895.